The following is an entry in ClinVar:

NM_001042492.3(NF1):c.2098del (p.Thr700fs)

Gene: NF1 (neurofibromin 1; plus strand). Cytogenetic location: 17q11.2.
Variant type: Deletion.
Coding change: c.2098del on transcript NM_001042492.3 (MANE Select); coding-DNA position 2098, one base deleted (A; older notation c.2098delA).
Protein change: p.Thr700fs; shifts the reading frame from threonine 700.
Molecular consequence: frameshift variant.
Genome position (GRCh38, 1-based): chr17:31,226,531, A deleted. VCF-style (leftmost placement, unchanged base first): chr17-31226530-CA-C. GRCh37 (hg19) VCF-style: chr17-29553548-CA-C.
Other names: c.2098delA (NM_000267.3); c.2098delA, p.Thr700Leufs (NM_000267.4); short protein forms T700fs.
Identifiers: ClinVar variation 1785826 (VCV001785826.2), dbSNP rs2508156095, ClinGen allele CA2580093146.

ClinVar aggregate classification (germline): Pathogenic (1 of 4 stars; one submission).

Conditions:
Hereditary cancer-predisposing syndrome. Also called: Neoplastic Syndromes, Hereditary; Tumor predisposition; Hereditary Cancer Syndrome; Hereditary neoplastic syndrome. Identifiers: Orphanet 140162, MedGen C0027672, MeSH D009386, MONDO:0015356.
Cardiovascular phenotype. Identifiers: MedGen CN230736.

Submission:

Ambry Genetics
Classification: Pathogenic for Cardiovascular phenotype; Hereditary cancer-predisposing syndrome. Last evaluated: 2020-10-21. Review status: criteria provided, single submitter. Criteria: Ambry Variant Classification Scheme 2023. Collection method: clinical testing. Allele origin: germline.
Comment: The c.2098delA pathogenic mutation, located in coding exon 18 of the NF1 gene, results from a deletion of one nucleotide at nucleotide position 2098, causing a translational frameshift with a predicted alternate stop codon (p.T700Lfs*48). This alteration is expected to result in loss of function by premature protein truncation or nonsense-mediated mRNA decay. As such, this alteration is interpreted as a disease-causing mutation.